The following is an entry in ClinVar:

NM_000081.4(LYST):c.1244G>A (p.Cys415Tyr)

Gene: LYST (lysosomal trafficking regulator; minus strand). Cytogenetic location: 1q42.3.
Variant type: single nucleotide variant.
Coding change: c.1244G>A on transcript NM_000081.4 (MANE Select); coding-DNA position 1244, G replaced by A.
Protein change: p.Cys415Tyr; replaces cysteine 415 with tyrosine.
Molecular consequence: missense variant.
Genome position (GRCh38, 1-based): chr1:235,809,574, C>T on the plus strand (G>A on the coding strand, the complement: LYST is on the minus strand). VCF-style: chr1-235809574-C-T. GRCh37 (hg19) VCF-style: chr1-235972874-C-T.
Other names: c.1244G>A, p.Cys415Tyr (NM_001301365.1); short protein forms C415Y.
Identifiers: ClinVar variation 2119107 (VCV002119107.4), dbSNP rs2527118196, ClinGen allele CA344962849.

ClinVar aggregate classification (germline): Uncertain significance (1 of 4 stars; one submission).

Conditions:
Chédiak-Higashi syndrome (CHS). Also called: Chediak-Higashi Syndrome. Identifiers: Orphanet 167, MedGen C0007965, MONDO:0008963, OMIM 214500.

Submission:

Labcorp Genetics (formerly Invitae), Labcorp
Classification: Uncertain significance for Chédiak-Higashi syndrome. Last evaluated: 2025-07-07. Review status: criteria provided, single submitter. Criteria: Invitae Variant Classification Sherloc (09022015). Collection method: clinical testing. Allele origin: germline.
Comment: This sequence change replaces cysteine, which is neutral and slightly polar, with tyrosine, which is neutral and polar, at codon 415 of the LYST protein (p.Cys415Tyr). This variant is not present in population databases (gnomAD no frequency). This variant has not been reported in the literature in individuals affected with LYST-related conditions. ClinVar contains an entry for this variant (Variation ID: 2119107). Invitae Evidence Modeling of protein sequence and biophysical properties (such as structural, functional, and spatial information, amino acid conservation, physicochemical variation, residue mobility, and thermodynamic stability) indicates that this missense variant is not expected to disrupt LYST protein function with a negative predictive value of 80%. In summary, the available evidence is currently insufficient to determine the role of this variant in disease. Therefore, it has been classified as a Variant of Uncertain Significance.